The following is an entry in ClinVar:

ClinVar aggregate classification (germline): Uncertain significance (1 of 4 stars; one submission).

Conditions:
Leigh syndrome (NULS). Also called: Leigh's necrotizing encephalopathy; Leigh's disease; Leigh Syndrome (mtDNA deletion); Leigh Disease; Subacute necrotizing encephalopathy; Necrotizing encephalopathy infantile subacute of Leigh. Identifiers: Orphanet 506, MedGen C2931891, MONDO:0009723, OMIM 256000.

Submission:

Wong Mito Lab, Molecular and Human Genetics, Baylor College of Medicine
Classification: Uncertain significance for Leigh syndrome. Last evaluated: 2019-10-17. Review status: criteria provided, single submitter. Criteria: Modified ACMG Guidelines (Unpublished). Collection method: clinical testing. Allele origin: germline.
Comment: The NC_012920.1:m.9911C>A (YP_003024032.1:p.Phe235Leu) variant in MTCO3 gene is interpretated to be a Uncertain Significance variant based on the modified ACMG guidelines (unpublished). This variant meets the following evidence codes: BS4

NC_012920.1(MT-CO3):m.9911C>A

Gene: MT-CO3 (mitochondrially encoded cytochrome c oxidase III; plus strand).
Variant type: single nucleotide variant.
Genome position: chrM-9911-C-A.
Identifiers: ClinVar variation 693247 (VCV000693247.1), dbSNP rs28615236, ClinGen allele CA414803987.